The following is an entry in ClinVar:

NM_177438.3(DICER1):c.5135dup (p.Leu1712fs)

Gene: DICER1 (dicer 1, ribonuclease III; minus strand). Cytogenetic location: 14q32.13.
Variant type: Duplication.
Coding change: c.5135dup on transcript NM_177438.3 (MANE Select); coding-DNA position 5135, one base duplicated (T; older notation c.5135dupT).
Protein change: p.Leu1712fs; shifts the reading frame from leucine 1712.
Molecular consequence: frameshift variant. On other transcripts: non-coding transcript variant (6).
Genome position (GRCh38, 1-based): chr14:95,094,117, A duplicated on the plus strand (T on the coding strand, the reverse complement: DICER1 is on the minus strand); the first of 4 consecutive A bases (chr14:95,094,117-95,094,120); duplicating any one gives the same sequence. VCF-style (leftmost placement, unchanged base first): chr14-95094116-C-CA. GRCh37 (hg19) VCF-style: chr14-95560453-C-CA.
Other names: NM_177438.3(DICER1):c.5135dup; p.Leu1712fs; c.5135dup, p.Leu1712fs (NM_001195573.1, NM_001271282.3, NM_001291628.2 and 8 more transcripts); c.4853dup, p.Leu1618fs (NM_001395686.1); c.4730dup, p.Leu1577fs (NM_001395687.1, NM_001395688.1, NM_001395689.1 and 1 more transcripts); c.3452dup, p.Leu1151fs (NM_001395697.1); c.4568dup, p.Leu1523fs (NM_001395691.1); short protein forms L1151fs, L1523fs, L1577fs, L1618fs, L1712fs.
Identifiers: ClinVar variation 1687567 (VCV001687567.3), dbSNP rs2139815576, ClinGen allele CA2573150332.
Genomic context (GRCh38, chr14:95,094,116, plus strand): 5'-CAGGACCCCCGGGGAGTGCTGCCGCGGGTCTTCATAAAGGTGCTTGGTTATGAGGTAGTC[C>CA]AAAATCGCATCTCCCAGGAATTCTAAGCGCTGGTAACAATCTGAGGGGATCCGAAGTGGA-3'

ClinVar aggregate classification (germline): Likely pathogenic. Review status: reviewed by expert panel (3 of 4 stars). 2 submissions from 2 submitters: Likely pathogenic (1). 1 of the submissions does not count toward it. Last evaluated 2025-06-24.

Conditions:
DICER1-related tumor predisposition. Also called: DICER1-related pleuropulmonary blastoma cancer predisposition syndrome; DICER1 syndrome. Identifiers: Orphanet 284343, MedGen C3839822, MONDO:0100216.
Euthyroid goiter (MNG1). Also called: Goiter, multinodular 1, with or without Sertoli-Leydig cell tumors; GOITER, NONTOXIC, WITH INTRATHYROIDAL CALCIFICATION; MULTINODULAR GOITER, ADOLESCENT; SIMPLE GOITER. Identifiers: Orphanet 276399, MedGen C0302859, MONDO:0007681, OMIM 138800, HP:0009798.

Submissions (2):

ClinGen DICER1 and miRNA-Processing Gene Variant Curation Expert Panel, ClinGen
Classification: Likely pathogenic for DICER1-related tumor predisposition. Last evaluated: 2025-06-24. Review status: reviewed by expert panel. Criteria: ClinGen DICER1 ACMG Specifications DICER1 V1.3.0. Collection method: curation. Allele origin: germline. Inheritance: Autosomal dominant inheritance.
Comment: The NM_177438.2:c.5135dup (p.Leu1712PhefsTer11) variant in DICER1 is a frameshift variant predicted to cause a premature stop codon in biologically-relevant exon 24/27 leading to nonsense-mediated decay in a gene in which loss-of-function is an established disease mechanism (PVS1). This variant is absent from gnomAD v4.1.0 (PM2_Supporting). In summary, this variant meets the criteria to be classified as Likely Pathogenic for DICER1-related tumor predisposition based on the ACMG/AMP criteria applied, as specified by the ClinGen DICER1 VCEP: PVS1, PM2_Supporting. (Bayesian Points: 9; VCEP specifications version 1.3.0; 06/24/2025

3billion
Classification: Likely pathogenic for Euthyroid goiter. Last evaluated: 2022-05-22. Review status: criteria provided, single submitter. Criteria: ACMG Guidelines, 2015. Collection method: clinical testing. Allele origin: germline. Affected: yes. Observed: 1 heterozygote. Not counted in ClinVar's aggregate classification.
Comment: The variant is not observed in the gnomAD v2.1.1 dataset. Frameshift: predicted to result in a loss or disruption of normal protein function through nonsense-mediated decay (NMD) or protein truncation. Multiple pathogenic variants are reported downstream of the variant. Therefore, this variant is classified as likely pathogenic according to the recommendation of ACMG/AMP guideline.